The following is an entry in ClinVar:

ClinVar aggregate classification (germline): Conflicting classifications of pathogenicity. Review status: criteria provided, conflicting classifications (1 of 4 stars). 2 submissions from 2 submitters: Uncertain significance (1); Likely benign (1). Last evaluated 2024-04-13.

Conditions:
Primary ciliary dyskinesia 7. Also called: CILIARY DYSKINESIA, PRIMARY, 7, WITH OR WITHOUT SITUS INVERSUS. Identifiers: Orphanet 244, MedGen C2678473, MONDO:0012748, OMIM 611884.
Primary ciliary dyskinesia. Also called: Ciliary dyskinesia. Identifiers: Orphanet 244, MedGen C0008780, MONDO:0016575, HP:0012265.

Allele frequency attached by ClinVar (database versions not stated): TOPMed below 0.00001; gnomAD 0.00001.

Submissions (2):

Labcorp Genetics (formerly Invitae), Labcorp
Classification: Likely benign for Primary ciliary dyskinesia. Last evaluated: 2024-04-13. Review status: criteria provided, single submitter. Criteria: Invitae Variant Classification Sherloc (09022015). Collection method: clinical testing. Allele origin: germline.

Baylor Genetics
Classification: Uncertain significance for Primary ciliary dyskinesia 7. Last evaluated: 2018-11-26. Review status: criteria provided, single submitter. Criteria: ACMG Guidelines, 2015. Collection method: clinical testing. Allele origin: paternal. Affected: yes.
Comment: This variant was determined to be of uncertain significance according to ACMG Guidelines, 2015 [PMID:25741868].

NM_001277115.2(DNAH11):c.3456G>A (p.Glu1152=)

Gene: DNAH11 (dynein axonemal heavy chain 11; plus strand). Cytogenetic location: 7p15.3.
Variant type: single nucleotide variant.
Coding change: c.3456G>A on transcript NM_001277115.2 (MANE Select); coding-DNA position 3456, G replaced by A.
Protein change: p.Glu1152=; no amino-acid change (glutamic acid 1152 retained).
Molecular consequence: synonymous variant.
Genome position (GRCh38, 1-based): chr7:21,601,426, G>A. VCF-style: chr7-21601426-G-A. GRCh37 (hg19) VCF-style: chr7-21641044-G-A.
Identifiers: ClinVar variation 1033403 (VCV001033403.4), dbSNP rs761664847, ClinGen allele CA454139540.